The following is an entry in ClinVar:

ClinVar aggregate classification (germline): Pathogenic (1 of 4 stars; one submission).

Conditions:
Familial cancer of breast. Also called: hereditary breast carcinoma; BREAST CANCER, FAMILIAL; Hereditary breast cancer. Identifiers: Orphanet 227535, MedGen C0346153, MONDO:0016419, OMIM 114480. Disease mechanism: loss of function.

Submission:

Labcorp Genetics (formerly Invitae), Labcorp
Classification: Pathogenic for Familial cancer of breast. Last evaluated: 2024-03-21. Review status: criteria provided, single submitter. Criteria: Invitae Variant Classification Sherloc (09022015). Collection method: clinical testing. Allele origin: germline.
Comment: This sequence change creates a premature translational stop signal (p.Thr386Serfs*13) in the PALB2 gene. It is expected to result in an absent or disrupted protein product. Loss-of-function variants in PALB2 are known to be pathogenic (PMID: 17200668, 17200671, 17200672, 24136930, 25099575). This variant is not present in population databases (gnomAD no frequency). This variant has not been reported in the literature in individuals affected with PALB2-related conditions. For these reasons, this variant has been classified as Pathogenic.

Literature cited by the submitters: PubMed 17200668; PubMed 17200671; PubMed 17200672; PubMed 24136930; PubMed 25099575.

NM_024675.4(PALB2):c.1156_1160del (p.Thr386fs)

Gene: PALB2 (partner and localizer of BRCA2; minus strand). Cytogenetic location: 16p12.2.
Variant type: Deletion.
Coding change: c.1156_1160del on transcript NM_024675.4 (MANE Select); coding-DNA positions 1156 to 1160, 5 bases deleted (ACCTC; older notation c.1156_1160delACCTC).
Protein change: p.Thr386fs; shifts the reading frame from threonine 386.
Molecular consequence: frameshift variant. On other transcripts: intron variant (3).
Genome position (GRCh38, 1-based): chr16:23,635,386-23,635,390, GAGGT deleted on the plus strand (ACCTC on the coding strand, the reverse complement: PALB2 is on the minus strand). VCF-style (leftmost placement, unchanged base first): chr16-23635385-AGAGGT-A. GRCh37 (hg19) VCF-style: chr16-23646706-AGAGGT-A.
Other names: c.1096_1100del, p.Thr366fs (NM_001407296.1); c.1156_1160del, p.Thr386fs (NM_001407297.1, NM_001407298.1, NM_001407299.1 and 3 more transcripts); c.271_275del, p.Thr91fs (NM_001407304.1, NM_001407305.1, NM_001407306.1 and 5 more transcripts); c.48+5720_48+5724del (NM_001407314.1); c.-104-4921_-104-4917del (NM_001407313.1, NM_001407312.1); short protein forms T366fs, T386fs, T91fs.
Identifiers: ClinVar variation 3647118 (VCV003647118.2).